The following is an entry in ClinVar:

NM_058216.3(RAD51C):c.529A>G (p.Ile177Val)

Gene: RAD51C (RAD51 paralog C; plus strand). Cytogenetic location: 17q22.
Variant type: single nucleotide variant.
Coding change: c.529A>G on transcript NM_058216.3 (MANE Select); coding-DNA position 529, A replaced by G.
Protein change: p.Ile177Val; replaces isoleucine 177 with valine.
Molecular consequence: missense variant.
Genome position (GRCh38, 1-based): chr17:58,696,817, A>G. VCF-style: chr17-58696817-A-G. GRCh37 (hg19) VCF-style: chr17-56774178-A-G.
Other names: c.529A>G (LRG_314t1); short protein forms I177V.
Identifiers: ClinVar variation 184967 (VCV000184967.16), dbSNP rs786201828, ClinGen allele CA190615.

ClinVar aggregate classification (germline): Conflicting classifications of pathogenicity. Review status: criteria provided, conflicting classifications (1 of 4 stars). 4 submissions from 4 submitters: Uncertain significance (3); Benign (1). Last evaluated 2026-01-27.

Conditions:
Hereditary cancer-predisposing syndrome. Also called: Tumor predisposition; Hereditary Cancer Syndrome; Hereditary neoplastic syndrome; Neoplastic Syndromes, Hereditary. Identifiers: Orphanet 140162, MedGen C0027672, MeSH D009386, MONDO:0015356.
Breast-ovarian cancer, familial, susceptibility to, 3. Also called: RAD51C-Related Breast/Ovarian Cancer. Identifiers: Orphanet 145, MedGen C3150659, MONDO:0013253, OMIM 613399.
Fanconi anemia complementation group O. Also called: RAD51C-Related Fanconi Anemia. Identifiers: Orphanet 84, MedGen C3150653, MONDO:0013248, OMIM 613390.

Allele frequency attached by ClinVar (database versions not stated): gnomAD exomes below 0.00001.
gnomAD v4.1: 2 of 1,614,212 alleles (0.00012%); highest among the groups gnomAD compares: Non-Finnish European, 0.00017%; no homozygotes.

Submissions (4):

Labcorp Genetics (formerly Invitae), Labcorp
Classification: Uncertain significance for Fanconi anemia complementation group O. Last evaluated: 2026-01-27. Review status: criteria provided, single submitter. Criteria: Invitae Variant Classification Sherloc (09022015). Collection method: clinical testing. Allele origin: germline.
Comment: This sequence change replaces isoleucine, which is neutral and non-polar, with valine, which is neutral and non-polar, at codon 177 of the RAD51C protein (p.Ile177Val). This variant is not present in population databases (gnomAD no frequency). This variant has not been reported in the literature in individuals affected with RAD51C-related conditions. ClinVar contains an entry for this variant (Variation ID: 184967). An algorithm developed to predict the effect of missense changes on protein structure and function outputs the following: PolyPhen-2: "Benign". The valine amino acid residue is found in multiple mammalian species, which suggests that this missense change does not adversely affect protein function. In summary, the available evidence is currently insufficient to determine the role of this variant in disease. Therefore, it has been classified as a Variant of Uncertain Significance.

Ambry Genetics
Classification: Benign for Hereditary cancer-predisposing syndrome. Last evaluated: 2025-10-28. Review status: criteria provided, single submitter. Criteria: Ambry Variant Classification Scheme 2023. Collection method: clinical testing. Allele origin: germline.

Color Diagnostics, LLC DBA Color Health
Classification: Uncertain significance for Hereditary cancer-predisposing syndrome. Last evaluated: 2023-10-16. Review status: criteria provided, single submitter. Criteria: ACMG Guidelines, 2015. Collection method: clinical testing. Allele origin: germline.
Comment: This missense variant replaces isoleucine with valine at codon 177 of the RAD51C protein. Computational prediction suggests that this variant may not impact protein structure and function (internally defined REVEL score threshold <= 0.5, PMID: 27666373). To our knowledge, functional studies have not been reported for this variant. This variant has not been reported in individuals affected with RAD51C-related disorders in the literature. This variant has not been identified in the general population by the Genome Aggregation Database (gnomAD). The available evidence is insufficient to determine the role of this variant in disease conclusively. Therefore, this variant is classified as a Variant of Uncertain Significance.

Fulgent Genetics
Classification: Uncertain significance for Fanconi anemia complementation group O; Breast-ovarian cancer, familial, susceptibility to, 3. Last evaluated: 2022-01-28. Review status: criteria provided, single submitter. Criteria: ACMG Guidelines, 2015. Collection method: clinical testing. Allele origin: unknown.

Literature cited by the submitters: PubMed 37253112 (cited by Ambry Genetics).